The following is an entry in ClinVar:

ClinVar aggregate classification (germline): Pathogenic (1 of 4 stars; one submission).

Allele frequency attached by ClinVar (database versions not stated): gnomAD exomes below 0.00001; TOPMed below 0.00001.
gnomAD v4.1: 1 of 1,614,072 alleles (0.000062%); highest among the groups gnomAD compares: African/African-American, 0.0013%; no homozygotes.

Submission:

Labcorp Genetics (formerly Invitae), Labcorp
Classification: Pathogenic. Last evaluated: 2023-07-21. Review status: criteria provided, single submitter. Criteria: Invitae Variant Classification Sherloc (09022015). Collection method: clinical testing. Allele origin: germline.
Comment: This variant has not been reported in the literature in individuals affected with GRXCR2-related conditions. ClinVar contains an entry for this variant (Variation ID: 1943443). Algorithms developed to predict the effect of sequence changes on RNA splicing suggest that this variant may disrupt the consensus splice site. For these reasons, this variant has been classified as Pathogenic. This variant is not present in population databases (gnomAD no frequency). This sequence change creates a premature translational stop signal (p.Glu155*) in the GRXCR2 gene. It is expected to result in an absent or disrupted protein product. Loss-of-function variants in GRXCR2 are known to be pathogenic (PMID: 24619944, 33528103).

Literature cited by the submitters: PubMed 24619944; PubMed 33528103.

NM_001080516.2(GRXCR2):c.463G>T (p.Glu155Ter)

Gene: GRXCR2 (glutaredoxin and cysteine rich domain containing 2; minus strand). Cytogenetic location: 5q32.
Variant type: single nucleotide variant.
Coding change: c.463G>T on transcript NM_001080516.2 (MANE Select); coding-DNA position 463, G replaced by T.
Protein change: p.Glu155Ter; replaces glutamic acid 155 with a stop codon.
Molecular consequence: nonsense.
Genome position (GRCh38, 1-based): chr5:145,866,602, C>A on the plus strand (G>T on the coding strand, the complement: GRXCR2 is on the minus strand). VCF-style: chr5-145866602-C-A. GRCh37 (hg19) VCF-style: chr5-145246165-C-A.
Other names: short protein forms E155*.
Identifiers: ClinVar variation 1943443 (VCV001943443.5), dbSNP rs1756441567, ClinGen allele CA361877678.